The following is an entry in ClinVar:

NM_001323289.2(CDKL5):c.283-8A>G

Gene: CDKL5 (cyclin dependent kinase like 5; plus strand). Cytogenetic location: Xp22.13.
Variant type: single nucleotide variant.
Coding change: c.283-8A>G on transcript NM_001323289.2 (MANE Select); 8 bases into the intron before coding-DNA position 283, A replaced by G.
Molecular consequence: intron variant.
Genome position (GRCh38, 1-based): chrX:18,579,840, A>G. VCF-style: chrX-18579840-A-G. GRCh37 (hg19) VCF-style: chrX-18597960-A-G.
Other names: c.283-8A>G (NM_003159.3, NM_001037343.2).
Identifiers: ClinVar variation 2948947 (VCV002948947.3), dbSNP rs2518849124, ClinGen allele CA2740092039.

ClinVar aggregate classification (germline): Uncertain significance (1 of 4 stars; one submission).

Conditions:
Developmental and epileptic encephalopathy, 2 (DEE2). Also called: INFANTILE SPASM SYNDROME, X-LINKED 2; CDKL5 deficiency disorder. Identifiers: Orphanet 1934, Orphanet 3451, Orphanet 505652, MedGen C4750718, MONDO:0010396, OMIM 300672.
Angelman syndrome-like. Identifiers: MedGen CN128785.

Submission:

Labcorp Genetics (formerly Invitae), Labcorp
Classification: Uncertain significance for Developmental and epileptic encephalopathy, 2; Angelman syndrome-like. Last evaluated: 2023-06-24. Review status: criteria provided, single submitter. Criteria: Invitae Variant Classification Sherloc (09022015). Collection method: clinical testing. Allele origin: germline.
Comment: In summary, the available evidence is currently insufficient to determine the role of this variant in disease. Therefore, it has been classified as a Variant of Uncertain Significance. Algorithms developed to predict the effect of sequence changes on RNA splicing suggest that this variant may disrupt the consensus splice site. This variant has not been reported in the literature in individuals affected with CDKL5-related conditions. This variant is not present in population databases (gnomAD no frequency). This sequence change falls in intron 5 of the CDKL5 gene. It does not directly change the encoded amino acid sequence of the CDKL5 protein.